The following is an entry in ClinVar:

NM_006073.4(TRDN):c.196G>T (p.Val66Phe)

Gene: TRDN (triadin; minus strand). Cytogenetic location: 6q22.31.
Variant type: single nucleotide variant.
Coding change: c.196G>T on transcript NM_006073.4 (MANE Select); coding-DNA position 196, G replaced by T.
Protein change: p.Val66Phe; replaces valine 66 with phenylalanine.
Molecular consequence: missense variant.
Genome position (GRCh38, 1-based): chr6:123,570,959, C>A on the plus strand (G>T on the coding strand, the complement: TRDN is on the minus strand). VCF-style: chr6-123570959-C-A. GRCh37 (hg19) VCF-style: chr6-123892104-C-A.
Other names: c.196G>T, p.Val66Phe (NM_001251987.2, NM_001256020.2, NM_001256021.2 and 1 more transcripts); short protein forms V66F.
Identifiers: ClinVar variation 519227 (VCV000519227.16), dbSNP rs372169818, ClinGen allele CA3984450.

ClinVar aggregate classification (germline): Uncertain significance. Review status: criteria provided, multiple submitters, no conflicts (2 of 4 stars). 3 submissions from 3 submitters: Uncertain significance (3). Last evaluated 2026-02-02.

Conditions:
Cardiovascular phenotype. Identifiers: MedGen CN230736.
Catecholaminergic polymorphic ventricular tachycardia 1. Also called: RYR2-Related Catecholaminergic Polymorphic Ventricular Tachycardia; VENTRICULAR TACHYCARDIA, CATECHOLAMINERGIC POLYMORPHIC, 1, WITH OR WITHOUT ATRIAL DYSFUNCTION AND/OR DILATED CARDIOMYOPATHY; VENTRICULAR TACHYCARDIA, STRESS-INDUCED POLYMORPHIC 1. Identifiers: Orphanet 3286, MedGen C1631597, MONDO:0011484, OMIM 604772.
Catecholaminergic polymorphic ventricular tachycardia 5 (CARDAR). Also called: CARDIAC ARRHYTHMIA SYNDROME, WITH OR WITHOUT SKELETAL MUSCLE WEAKNESS; Ventricular tachycardia, catecholaminergic polymorphic, 5, with or without muscle weakness. Identifiers: Orphanet 3286, MedGen C3809536, MONDO:0014191, OMIM 615441.

Allele frequency attached by ClinVar (database versions not stated): ESP Exome Variant Server 0.00008; gnomAD 0.00003; TOPMed 0.00004.
gnomAD v4.1: 66 of 1,613,728 alleles (0.0041%); highest among the groups gnomAD compares: Non-Finnish European, 0.0055%; no homozygotes.

Submissions (3):

Labcorp Genetics (formerly Invitae), Labcorp
Classification: Uncertain significance for Catecholaminergic polymorphic ventricular tachycardia 1. Last evaluated: 2026-02-02. Review status: criteria provided, single submitter. Criteria: Invitae Variant Classification Sherloc (09022015). Collection method: clinical testing. Allele origin: germline.
Comment: This sequence change replaces valine, which is neutral and non-polar, with phenylalanine, which is neutral and non-polar, at codon 66 of the TRDN protein (p.Val66Phe). This variant is present in population databases (rs372169818, gnomAD 0.006%). This variant has not been reported in the literature in individuals affected with TRDN-related conditions. ClinVar contains an entry for this variant (Variation ID: 519227). Invitae Evidence Modeling of protein sequence and biophysical properties (such as structural, functional, and spatial information, amino acid conservation, physicochemical variation, residue mobility, and thermodynamic stability) indicates that this missense variant is not expected to disrupt TRDN protein function with a negative predictive value of 80%. In summary, the available evidence is currently insufficient to determine the role of this variant in disease. Therefore, it has been classified as a Variant of Uncertain Significance.

Ambry Genetics
Classification: Uncertain significance for Cardiovascular phenotype. Last evaluated: 2025-12-09. Review status: criteria provided, single submitter. Criteria: Ambry Variant Classification Scheme 2023. Collection method: clinical testing. Allele origin: germline.

Fulgent Genetics
Classification: Uncertain significance for Catecholaminergic polymorphic ventricular tachycardia 1; Catecholaminergic polymorphic ventricular tachycardia 5. Last evaluated: 2021-10-04. Review status: criteria provided, single submitter. Criteria: ACMG Guidelines, 2015. Collection method: clinical testing. Allele origin: unknown.